The following is an entry in ClinVar:

NM_001042492.3(NF1):c.5746G>A (p.Ala1916Thr)

Gene: NF1 (neurofibromin 1; plus strand). Cytogenetic location: 17q11.2.
Variant type: single nucleotide variant.
Coding change: c.5746G>A on transcript NM_001042492.3 (MANE Select); coding-DNA position 5746, G replaced by A.
Protein change: p.Ala1916Thr; replaces alanine 1916 with threonine.
Molecular consequence: missense variant.
Genome position (GRCh38, 1-based): chr17:31,330,432, G>A. VCF-style: chr17-31330432-G-A. GRCh37 (hg19) VCF-style: chr17-29657450-G-A.
Other names: c.5683G>A, p.Ala1895Thr (NM_000267.4); short protein forms A1916T, A1895T.
Identifiers: ClinVar variation 5025635 (VCV005025635.1).

ClinVar aggregate classification (germline): Uncertain significance (1 of 4 stars; one submission).

Conditions:
Cardiovascular phenotype. Identifiers: MedGen CN230736.
Hereditary cancer-predisposing syndrome. Also called: Neoplastic Syndromes, Hereditary; Tumor predisposition; Hereditary neoplastic syndrome; Hereditary Cancer Syndrome. Identifiers: Orphanet 140162, MedGen C0027672, MeSH D009386, MONDO:0015356.

Submission:

Ambry Genetics
Classification: Uncertain significance for Cardiovascular phenotype; Hereditary cancer-predisposing syndrome. Last evaluated: 2026-08-24. Review status: criteria provided, single submitter. Criteria: Ambry Variant Classification Scheme 2023. Collection method: clinical testing. Allele origin: germline.
Comment: The p.A1895T variant (also known as c.5683G>A), located in coding exon 38 of the NF1 gene, results from a G to A substitution at nucleotide position 5683. The alanine at codon 1895 is replaced by threonine, an amino acid with similar properties. This amino acid position is conserved. In addition, this alteration is predicted to be deleterious by in silico analysis. Based on the available evidence, the clinical significance of this variant remains unclear.